The following is an entry in ClinVar:

NM_004629.2(FANCG):c.809T>C (p.Val270Ala)

Gene: FANCG (FA complementation group G; minus strand). Cytogenetic location: 9p13.3.
Variant type: single nucleotide variant.
Coding change: c.809T>C on transcript NM_004629.2 (MANE Select); coding-DNA position 809, T replaced by C.
Protein change: p.Val270Ala; replaces valine 270 with alanine.
Molecular consequence: missense variant.
Genome position (GRCh38, 1-based): chr9:35,076,839, A>G on the plus strand (T>C on the coding strand, the complement: FANCG is on the minus strand). VCF-style: chr9-35076839-A-G. GRCh37 (hg19) VCF-style: chr9-35076836-A-G.
Other names: short protein forms V270A.
Identifiers: ClinVar variation 3512863 (VCV003512863.1).

ClinVar aggregate classification (germline): Uncertain significance (1 of 4 stars; one submission).

Conditions:
Inborn genetic diseases. Identifiers: MedGen C0950123, MeSH D030342.

gnomAD v4.1: 5 of 1,614,110 alleles (0.00031%); highest among the groups gnomAD compares: African/African-American, 0.004%; no homozygotes.

Submission:

Ambry Genetics
Classification: Uncertain significance for Inborn genetic diseases. Last evaluated: 2024-12-08. Review status: criteria provided, single submitter. Criteria: Ambry Variant Classification Scheme 2023. Collection method: clinical testing. Allele origin: germline.
Comment: The p.V270A variant (also known as c.809T>C), located in coding exon 7 of the FANCG gene, results from a T to C substitution at nucleotide position 809. The valine at codon 270 is replaced by alanine, an amino acid with similar properties. This amino acid position is conserved. In addition, this alteration is predicted to be tolerated by in silico analysis. Based on the available evidence, the clinical significance of this variant remains unclear.